The following is an entry in ClinVar:

NM_002834.5(PTPN11):c.1426A>G (p.Ile476Val)

Gene: PTPN11 (protein tyrosine phosphatase non-receptor type 11; plus strand). Cytogenetic location: 12q24.13.
Variant type: single nucleotide variant.
Coding change: c.1426A>G on transcript NM_002834.5 (MANE Select); coding-DNA position 1426, A replaced by G.
Protein change: p.Ile476Val; replaces isoleucine 476 with valine.
Molecular consequence: missense variant.
Genome position (GRCh38, 1-based): chr12:112,488,489, A>G. VCF-style: chr12-112488489-A-G. GRCh37 (hg19) VCF-style: chr12-112926293-A-G.
Other names: c.1438A>G, p.Ile480Val (NM_001330437.2); c.1423A>G, p.Ile475Val (NM_001374625.1); short protein forms I480V, I476V, I475V.
Identifiers: ClinVar variation 943450 (VCV000943450.9), dbSNP rs2038706987, ClinGen allele CA386778458.

ClinVar aggregate classification (germline): Uncertain significance (1 of 4 stars; one submission).

Conditions:
RASopathy. Also called: Noonan spectrum disorder; rasopathies. Identifiers: Orphanet 536391, MedGen C5555857, MONDO:0021060.

Submission:

Labcorp Genetics (formerly Invitae), Labcorp
Classification: Uncertain significance for RASopathy. Last evaluated: 2019-09-12. Review status: criteria provided, single submitter. Criteria: Invitae Variant Classification Sherloc (09022015). Collection method: clinical testing. Allele origin: germline.
Comment: Algorithms developed to predict the effect of missense changes on protein structure and function are either unavailable or do not agree on the potential impact of this missense change (SIFT: "Tolerated"; PolyPhen-2: "Possibly Damaging"; Align-GVGD: "Class C0"). In summary, the available evidence is currently insufficient to determine the role of this variant in disease. Therefore, it has been classified as a Variant of Uncertain Significance. This variant has not been reported in the literature in individuals with PTPN11-related conditions. This variant is not present in population databases (ExAC no frequency). This sequence change replaces isoleucine with valine at codon 476 of the PTPN11 protein (p.Ile476Val). The isoleucine residue is moderately conserved and there is a small physicochemical difference between isoleucine and valine.